The following is an entry in ClinVar:

ClinVar aggregate classification (germline): Likely benign. Review status: criteria provided, multiple submitters, no conflicts (2 of 4 stars). 3 submissions from 3 submitters: Likely benign (3). Last evaluated 2026-06-01.

Conditions:
COL18A1-related disorder. Also called: COL18A1-related disorders; COL18A1-related condition.

Allele frequency attached by ClinVar (database versions not stated): ExAC 0.00002; gnomAD exomes 0.00002 and 0.00003; gnomAD 0.00004; TOPMed 0.00004.
gnomAD v4.1: 53 of 1,613,002 alleles (0.0033%); highest among the groups gnomAD compares: African/African-American, 0.0093%; no homozygotes.

Submissions (3):

CeGaT Center for Human Genetics Tuebingen
Classification: Likely benign. Last evaluated: 2026-06-01. Review status: criteria provided, single submitter. Criteria: CeGaT Center For Human Genetics Tuebingen Variant Classification Criteria Version 2. Collection method: clinical testing. Allele origin: germline. Affected: yes. Observed: 1 variant allele.
Comment: COL18A1: BP4, BP7

Labcorp Genetics (formerly Invitae), Labcorp
Classification: Likely benign. Last evaluated: 2025-02-06. Review status: criteria provided, single submitter. Criteria: Invitae Variant Classification Sherloc (09022015). Collection method: clinical testing. Allele origin: germline.

PreventionGenetics, part of Exact Sciences
Classification: Likely benign for COL18A1-related condition. Last evaluated: 2025-01-31. Review status: criteria provided, single submitter. Criteria: ACMG Guidelines, 2015. Collection method: clinical testing. Allele origin: germline.
Comment: This variant is classified as likely benign based on ACMG/AMP sequence variant interpretation guidelines (Richards et al. 2015 PMID: 25741868, with internal and published modifications).

NM_001379500.1(COL18A1):c.107-12376C>T

Gene: COL18A1 (collagen type XVIII alpha 1 chain; plus strand). Cytogenetic location: 21q22.3.
Variant type: single nucleotide variant.
Coding change: c.107-12376C>T on transcript NM_001379500.1 (MANE Select); 12376 bases into the intron before coding-DNA position 107, C replaced by T.
Molecular consequence: intron variant. On other transcripts: synonymous variant (2).
Genome position (GRCh38, 1-based): chr21:45,455,866, C>T. VCF-style: chr21-45455866-C-T. GRCh37 (hg19) VCF-style: chr21-46875780-C-T.
Other names: c.336C>T (NM_030582.3); c.336C>T, p.Ala112= (NM_030582.4, NM_130444.3).
Identifiers: ClinVar variation 1642697 (VCV001642697.11), dbSNP rs767745134, ClinGen allele CA10065445.